The following is an entry in ClinVar:

NM_000238.4(KCNH2):c.464_467del (p.Leu155fs)

Gene: KCNH2 (potassium voltage-gated channel subfamily H member 2; minus strand). Cytogenetic location: 7q36.1.
Variant type: Microsatellite.
Coding change: c.464_467del on transcript NM_000238.4 (MANE Select); coding-DNA positions 464 to 467, 4 bases deleted (TGGC; older notation c.464_467delTGGC).
Protein change: p.Leu155fs; shifts the reading frame from leucine 155.
Molecular consequence: frameshift variant.
Genome position (GRCh38, 1-based): chr7:150,959,577-150,959,580, GCCA deleted on the plus strand (TGGC on the coding strand, the reverse complement: KCNH2 is on the minus strand); deleting any 4 consecutive bases within chr7:150,959,577-150,959,586 gives the same sequence; the c. name uses the placement nearest the transcript's 3' end. VCF-style (leftmost placement, unchanged base first): chr7-150959576-GGCCA-G. GRCh37 (hg19) VCF-style: chr7-150656664-GGCCA-G.
Other names: c.458_461GCTG[1], p.Leu155Profs (NM_000238.3, NM_172056.3); c.170_173GCTG[1], p.Leu59Profs (NM_001406753.1, NM_001406756.1); c.281_284GCTG[1], p.Leu96Profs (NM_001406755.1); c.158_161GCTG[1], p.Leu55Profs (NM_001406757.1); c.464_467delTGGC (NM_000238.3); short protein forms L155fs.
Identifiers: ClinVar variation 1742104 (VCV001742104.2), dbSNP rs2486099939, ClinGen allele CA2580614286.

ClinVar aggregate classification (germline): Pathogenic (1 of 4 stars; one submission).

Conditions:
Cardiovascular phenotype. Identifiers: MedGen CN230736.

Submission:

Ambry Genetics
Classification: Pathogenic for Cardiovascular phenotype. Last evaluated: 2022-04-19. Review status: criteria provided, single submitter. Criteria: Ambry Variant Classification Scheme 2023. Collection method: clinical testing. Allele origin: germline.
Comment: The c.464_467delTGGC pathogenic mutation, located in coding exon 3 of the KCNH2 gene, results from a deletion of 4 nucleotides at nucleotide positions 464 to 467, causing a translational frameshift with a predicted alternate stop codon (p.L155Pfs*10). This alteration is expected to result in loss of function by premature protein truncation or nonsense-mediated mRNA decay. As such, this alteration is interpreted as a disease-causing mutation.